The following continues an entry in ClinVar:

NM_000257.4(MYH7):c.428G>A (p.Arg143Gln)

Gene: MYH7. ClinVar aggregate classification (germline): Likely pathogenic. Likely pathogenic (1).

Submissions 7 to 19 of 19:

Color Diagnostics, LLC DBA Color Health
Classification: Pathogenic for Cardiomyopathy. Last evaluated: 2024-08-12. Review status: criteria provided, single submitter. Criteria: ACMG Guidelines, 2015. Collection method: clinical testing. Allele origin: germline. Not counted in ClinVar's aggregate classification.
Comment: This missense variant replaces arginine with glutamine at codon 143 in the myosin head/motor (S1) domain of the MYH7 protein. Computational prediction tools indicate that this variant has a deleterious impact on protein structure and function. To our knowledge, functional studies have not been reported for this variant. This variant has been reported in more than 50 individuals affected with hypertrophic cardiomyopathy (PMID: 15358028, 15563892, 21252143, 22765922, 24093860, 26914223, 27247418, 27532257, 28408708, 28615295, 33495596, 33495597, 33673806, 33782553, 37907184). It has been shown that this variant segregates with disease in multiple affected individuals across multiple families (PMID: 37907184; ClinVar SCV000059551.6). This variant has been identified in 1/251476 chromosomes in the general population by the Genome Aggregation Database (gnomAD). A different variant affecting the same codon, p.Arg143Trp, is considered to be disease-causing (ClinVar variation ID: 164401), suggesting that arginine at this position is important for MYH7 protein function. Based on the available evidence, this variant is classified as Pathogenic.

Clinical Genetics Laboratory, Skane University Hospital Lund
Classification: Likely pathogenic. Last evaluated: 2023-09-28. Review status: criteria provided, single submitter. Criteria: ACMG Guidelines, 2015. Collection method: clinical testing. Allele origin: germline. Affected: yes. Not counted in ClinVar's aggregate classification.

Victorian Clinical Genetics Services, Murdoch Childrens Research Institute
Classification: Likely pathogenic for Hypertrophic cardiomyopathy 1. Last evaluated: 2023-07-16. Review status: criteria provided, single submitter. Criteria: ACMG Guidelines, 2015. Collection method: clinical testing. Allele origin: germline. Inheritance: Autosomal dominant inheritance. Affected: yes. Not counted in ClinVar's aggregate classification.
Comment: Based on the classification scheme VCGS_Germline_v1.3.4, this variant is classified as Likely Pathogenic. Following criteria are met: 0105 - The mechanism of disease for this gene is not clearly established; however, missense variants have been proposed to act in a dominant negative manner (PMID: 24714796). (I) 0108 - This gene is associated with both recessive and dominant disease. Pathogenic variants in this gene are usually heterozygous; however, a recessive inheritance pattern has been observed in severe cases (OMIM). (I) 0112 - The condition associated with this gene has incomplete penetrance (PMID: 29300372). (I) 0200 - Variant is predicted to result in a missense amino acid change from arginine to glutamine. (I) 0251 - This variant is heterozygous. (I) 0304 - Variant is present in gnomAD (v2) <0.01 (1 heterozygote, 0 homozygotes). (SP) 0309 - An alternative amino acid change at the same position has been observed in gnomAD (v2) (p.(Arg143Trp): 7 heterozygotes, 0 homozygotes). (I) 0502 - Missense variant with conflicting in silico predictions and uninformative conservation. (I) 0600 - Variant is located in the annotated myosin head domain (DECIPHER). (I) 0801 - This variant has very strong previous evidence of pathogenicity in unrelated individuals. This variant has been classified as likely pathogenic by the ClinGen Expert Panel and has been reported in more than 20 individuals with HCM (ClinVar). (SP) 1208 - Inheritance information for this variant is not currently available in this individual. (I) Legend: (SP) - Supporting pathogenic, (I) - Information, (SB) - Supporting benign

Revvity Omics, Revvity
Classification: Likely pathogenic. Last evaluated: 2023-07-13. Review status: criteria provided, single submitter. Criteria: ACMG Guidelines, 2015. Collection method: clinical testing. Allele origin: germline. Not counted in ClinVar's aggregate classification.

Blueprint Genetics
Classification: Pathogenic for MYH7-related disorders. Last evaluated: 2023-03-23. Review status: criteria provided, single submitter. Criteria: ACMG Guidelines, 2015. Collection method: clinical testing. Allele origin: germline. Affected: yes. Observed: 5 variant alleles. Not counted in ClinVar's aggregate classification.

Molecular Diagnostic Laboratory for Inherited Cardiovascular Disease, Montreal Heart Institute
Classification: Pathogenic for Cardiovascular phenotype. Last evaluated: 2022-06-17. Review status: criteria provided, single submitter. Criteria: ACMG Guidelines, 2015. Collection method: clinical testing. Allele origin: germline. Affected: yes. Not counted in ClinVar's aggregate classification.

Fulgent Genetics
Classification: Likely pathogenic for MYH7-related skeletal myopathy; Myosin storage myopathy; Hypertrophic cardiomyopathy 1; Myopathy, myosin storage, autosomal recessive; Congenital myopathy 4A, autosomal dominant; Dilated cardiomyopathy 1S. Last evaluated: 2021-08-24. Review status: criteria provided, single submitter. Criteria: ACMG Guidelines, 2015. Collection method: clinical testing. Allele origin: unknown. Not counted in ClinVar's aggregate classification.

CHEO Genetics Diagnostic Laboratory, Children's Hospital of Eastern Ontario
Classification: Pathogenic for Cardiomyopathy. Last evaluated: 2021-08-11. Review status: criteria provided, single submitter. Criteria: ACMG Guidelines, 2015. Collection method: clinical testing. Allele origin: germline. Not counted in ClinVar's aggregate classification.

HudsonAlpha Institute for Biotechnology
Classification: Likely pathogenic for Hypertrophic cardiomyopathy 1. Last evaluated: 2019-03-27. Review status: criteria provided, single submitter. Criteria: ACMG Guidelines, 2015. Collection method: research. Allele origin: unknown. Observed: 1 variant allele. Study: AGHI_GT. Not counted in ClinVar's aggregate classification.

Laboratory for Molecular Medicine, Mass General Brigham Personalized Medicine
Classification: Likely pathogenic for Hypertrophic cardiomyopathy. Last evaluated: 2018-07-03. Review status: criteria provided, single submitter. Criteria: LMM Criteria. Collection method: clinical testing. Allele origin: germline. Inheritance: Autosomal dominant inheritance. Observed: 11 variant alleles. Not counted in ClinVar's aggregate classification.
Comment: The p.Arg143Gln variant in MYH7 has been reported in 15 individuals with HCM (So ng 2005, Van Driest 2004, Wang 2007, Kimura 2010, Gruner 2011, Fokstuen 2011, Ma rsiglia 2013, Meder 2011, Coto 2012, Gomez 2014). It has also been identified by our laboratory in 6 individuals with HCM and segregated with disease in 4 affec ted relatives from 2 families. This variant has been identified in 1/111692 Euro pean chromosomes in the Genome Aggregation Database (gnomAD; dbSNP rs397516209) and has been reported in ClinVar (Variation ID : 43006). Computational prediction tools and conservation analysis suggest that the p.Arg143Gln variant may impact the protein, though this information is not p redictive enough to determine pathogenicity. In summary, although additional stu dies are required to fully establish its clinical significance, the p.Arg143Gln variant is likely pathogenic. ACMG/AMP Criteria applied: PS4, PM2, PP1, PP3.

Agnes Ginges Centre for Molecular Cardiology, Centenary Institute
Classification: Likely pathogenic for Hypertrophic cardiomyopathy 1. Last evaluated: 2017-03-10. Review status: criteria provided, single submitter. Criteria: Agnes Ginges Centre for Molecular Cardiology criteria (2015). Collection method: research. Allele origin: germline. Inheritance: Autosomal dominant inheritance. Affected: yes. Not counted in ClinVar's aggregate classification.
Comment: The MYH7 Arg143Gln variant has been identified in over 15 HCM probands and has been found to segregate in 2 families (see references; LMM, ClinVar SCV000059551.4). The variant is present as a singleton event in the Exome Aggregation Consortium dataset (MAF=0.000008). Computational tools SIFT, PolyPhen-2 and MutationTaster predict this variant to be deleterious. In summary, based on the number of HCM cases identified to harbour the variant, segregation, rarity in the general population and in silico tools supportive of a deleterious effect, we classify MYH7 Arg143Gln as a "likely pathogenic" variant.

Center for Medical Genetics Ghent, University of Ghent
Classification: Pathogenic for Hypertrophic cardiomyopathy 1. Last evaluated: 2016-06-29. Review status: criteria provided, single submitter. Criteria: ACMG Guidelines, 2015. Collection method: clinical testing. Allele origin: germline. Affected: yes. Not counted in ClinVar's aggregate classification.

Juno Genomics, Hangzhou Juno Genomics, Inc
Classification: Likely pathogenic for Hypertrophic cardiomyopathy 1. Review status: criteria provided, single submitter. Criteria: ACMG Guidelines, 2015. Collection method: clinical testing. Allele origin: germline. Affected: yes. Not counted in ClinVar's aggregate classification.
Comment: Absent from controls (or at extremely low frequency if recessive) in Genome Aggregation Database, Exome Sequencing Project, 1000 Genomes Project, or Exome Aggregation Consortium.;Multiple lines of computational evidence support a deleterious effect on the gene or gene product (conservation, evolutionary, splicing impact, etc).;The prevalence of the variant in affected individuals is significantly increased compared to the prevalence in controls.;Co-segregation with disease in multiple affected family members in a gene definitively known to cause the disease.

Literature cited by the submitters: PubMed 21239446 (cited by 6 submitters); PubMed 21252143 (cited by 8 submitters); PubMed 20075948 (cited by 7 submitters); PubMed 15358028 (cited by 8 submitters); PubMed 15563892 (cited by 8 submitters); PubMed 22765922 (cited by 8 submitters); PubMed 24093860 (cited by 8 submitters); PubMed 29300372 (cited by ClinGen Cardiomyopathy Variant Curation Expert Panel and Victorian Clinical Genetics Services, Murdoch Childrens Research Institute); PubMed 26914223 (cited by 3 submitters); PubMed 27247418 (cited by 3 submitters); PubMed 12820698 (cited by 3 submitters); PubMed 12974739 (cited by 3 submitters); PubMed 22429680 (cited by Labcorp Genetics (formerly Invitae), Labcorp and Variantyx, Inc.); PubMed 24510615 (cited by Labcorp Genetics (formerly Invitae), Labcorp); PubMed 35653365 (cited by Variantyx, Inc.); PubMed 34598319 (cited by Variantyx, Inc.); PubMed 11433818 (cited by Ambry Genetics and Laboratory for Molecular Medicine, Mass General Brigham Personalized Medicine); PubMed 18383048 (cited by 3 submitters); PubMed 21511876 (cited by 3 submitters); PubMed 22455086 (cited by Ambry Genetics); PubMed 23283745 (cited by Ambry Genetics); PubMed 25342278 (cited by 3 submitters); PubMed 26656175 (cited by Ambry Genetics); PubMed 27054166 (cited by Ambry Genetics); PubMed 27532257 (cited by 3 submitters); PubMed 28408708 (cited by Ambry Genetics and Color Diagnostics, LLC DBA Color Health); PubMed 33487615 (cited by Ambry Genetics); PubMed 33673806 (cited by Ambry Genetics and Color Diagnostics, LLC DBA Color Health); PubMed 34076677 (cited by Ambry Genetics); PubMed 8533830 (cited by Ambry Genetics and 3billion); PubMed 28615295 (cited by Color Diagnostics, LLC DBA Color Health); PubMed 33495596 (cited by Color Diagnostics, LLC DBA Color Health); PubMed 33495597 (cited by Color Diagnostics, LLC DBA Color Health); PubMed 33782553 (cited by Color Diagnostics, LLC DBA Color Health); PubMed 37907184 (cited by Color Diagnostics, LLC DBA Color Health); PubMed 24714796 (cited by Victorian Clinical Genetics Services, Murdoch Childrens Research Institute).